The following is an entry in ClinVar:

ClinVar aggregate classification (germline): Uncertain significance. Review status: criteria provided, multiple submitters, no conflicts (2 of 4 stars). 2 submissions from 2 submitters: Uncertain significance (2). Last evaluated 2025-04-19.

Conditions:
Neuroblastoma, susceptibility to, 3. Also called: ALK-Related Neuroblastic Tumor Susceptibility. Identifiers: Orphanet 635, MedGen C2751681, MONDO:0013083, OMIM 613014.
Hereditary cancer-predisposing syndrome. Also called: Tumor predisposition; Neoplastic Syndromes, Hereditary; Hereditary Cancer Syndrome; Hereditary neoplastic syndrome. Identifiers: Orphanet 140162, MedGen C0027672, MeSH D009386, MONDO:0015356.

Allele frequency attached by ClinVar (database versions not stated): gnomAD 0.00001; TOPMed 0.00001; ESP Exome Variant Server 0.00008.
gnomAD v4.1: 2 of 1,613,792 alleles (0.00012%); highest among the groups gnomAD compares: African/African-American, 0.0027%; no homozygotes.

Submissions (2):

Ambry Genetics
Classification: Uncertain significance for Hereditary cancer-predisposing syndrome. Last evaluated: 2025-04-19. Review status: criteria provided, single submitter. Criteria: Ambry Variant Classification Scheme 2023. Collection method: clinical testing. Allele origin: germline.
Comment: The p.A690S variant (also known as c.2068G>T), located in coding exon 12 of the ALK gene, results from a G to T substitution at nucleotide position 2068. The alanine at codon 690 is replaced by serine, an amino acid with similar properties. This amino acid position is conserved. In addition, the in silico prediction for this alteration is inconclusive. Since supporting evidence is limited at this time, the clinical significance of this alteration remains unclear.

Labcorp Genetics (formerly Invitae), Labcorp
Classification: Uncertain significance for Neuroblastoma, susceptibility to, 3. Last evaluated: 2024-10-10. Review status: criteria provided, single submitter. Criteria: Invitae Variant Classification Sherloc (09022015). Collection method: clinical testing. Allele origin: germline.
Comment: This sequence change replaces alanine, which is neutral and non-polar, with serine, which is neutral and polar, at codon 690 of the ALK protein (p.Ala690Ser). This variant is present in population databases (rs375105843, gnomAD 0.01%). This variant has not been reported in the literature in individuals affected with ALK-related conditions. ClinVar contains an entry for this variant (Variation ID: 1058505). An algorithm developed to predict the effect of missense changes on protein structure and function (PolyPhen-2) suggests that this variant is likely to be disruptive. In summary, the available evidence is currently insufficient to determine the role of this variant in disease. Therefore, it has been classified as a Variant of Uncertain Significance.

NM_004304.5(ALK):c.2068G>T (p.Ala690Ser)

Gene: ALK (ALK receptor tyrosine kinase; minus strand). Cytogenetic location: 2p23.2.
Variant type: single nucleotide variant.
Coding change: c.2068G>T on transcript NM_004304.5 (MANE Select); coding-DNA position 2068, G replaced by T.
Protein change: p.Ala690Ser; replaces alanine 690 with serine.
Molecular consequence: missense variant.
Genome position (GRCh38, 1-based): chr2:29,251,241, C>A on the plus strand (G>T on the coding strand, the complement: ALK is on the minus strand). VCF-style: chr2-29251241-C-A. GRCh37 (hg19) VCF-style: chr2-29474107-C-A.
Other names: short protein forms A690S.
Identifiers: ClinVar variation 1058505 (VCV001058505.12), dbSNP rs375105843, ClinGen allele CA1594443.